The following is an entry in ClinVar:

NM_001206927.2(DNAH8):c.8668A>G (p.Ile2890Val)

Gene: DNAH8 (dynein axonemal heavy chain 8; plus strand). Cytogenetic location: 6p21.2.
Variant type: single nucleotide variant.
Coding change: c.8668A>G on transcript NM_001206927.2 (MANE Select); coding-DNA position 8668, A replaced by G.
Protein change: p.Ile2890Val; replaces isoleucine 2890 with valine.
Molecular consequence: missense variant.
Genome position (GRCh38, 1-based): chr6:38,894,785, A>G. VCF-style: chr6-38894785-A-G. GRCh37 (hg19) VCF-style: chr6-38862561-A-G.
Other names: c.8017A>G, p.Ile2673Val (NM_001371.4); c.8668A>G (NM_001206927.1); short protein forms I2890V, I2673V.
Identifiers: ClinVar variation 1366210 (VCV001366210.18), dbSNP rs373858239, ClinGen allele CA3790265.

ClinVar aggregate classification (germline): Uncertain significance. Review status: criteria provided, multiple submitters, no conflicts (2 of 4 stars). 2 submissions from 2 submitters: Uncertain significance (2). Last evaluated 2025-08-13.

Conditions:
Primary ciliary dyskinesia. Also called: Ciliary dyskinesia. Identifiers: Orphanet 244, MedGen C0008780, MONDO:0016575, HP:0012265.

Allele frequency attached by ClinVar (database versions not stated): gnomAD exomes 0.00001; ExAC 0.00002; TOPMed 0.00003; gnomAD 0.00004 and 0.00005; ESP Exome Variant Server 0.00008.
gnomAD v4.1: 25 of 1,614,004 alleles (0.0015%); highest among the groups gnomAD compares: African/African-American, 0.0093%; no homozygotes.

Submissions (2):

Ambry Genetics
Classification: Uncertain significance. Last evaluated: 2025-08-13. Review status: criteria provided, single submitter. Criteria: Ambry Variant Classification Scheme 2023. Collection method: clinical testing. Allele origin: germline.

Labcorp Genetics (formerly Invitae), Labcorp
Classification: Uncertain significance for Primary ciliary dyskinesia. Last evaluated: 2023-08-17. Review status: criteria provided, single submitter. Criteria: Invitae Variant Classification Sherloc (09022015). Collection method: clinical testing. Allele origin: germline.
Comment: Advanced modeling of protein sequence and biophysical properties (such as structural, functional, and spatial information, amino acid conservation, physicochemical variation, residue mobility, and thermodynamic stability) performed at Invitae indicates that this missense variant is not expected to disrupt DNAH8 protein function. In summary, the available evidence is currently insufficient to determine the role of this variant in disease. Therefore, it has been classified as a Variant of Uncertain Significance. ClinVar contains an entry for this variant (Variation ID: 1366210). This variant has not been reported in the literature in individuals affected with DNAH8-related conditions. This variant is present in population databases (rs373858239, gnomAD 0.003%). This sequence change replaces isoleucine, which is neutral and non-polar, with valine, which is neutral and non-polar, at codon 2890 of the DNAH8 protein (p.Ile2890Val).